The following is an entry in ClinVar:

NM_000171.4(GLRA1):c.1339C>A (p.His447Asn)

Gene: GLRA1 (glycine receptor alpha 1; minus strand). Cytogenetic location: 5q33.1.
Variant type: single nucleotide variant.
Coding change: c.1339C>A on transcript NM_000171.4 (MANE Select); coding-DNA position 1339, C replaced by A.
Protein change: p.His447Asn; replaces histidine 447 with asparagine.
Molecular consequence: missense variant.
Genome position (GRCh38, 1-based): chr5:151,822,684, G>T on the plus strand (C>A on the coding strand, the complement: GLRA1 is on the minus strand). VCF-style: chr5-151822684-G-T. GRCh37 (hg19) VCF-style: chr5-151202245-G-T.
Other names: c.1339C>A (NM_000171.3); c.1363C>A, p.His455Asn (NM_001146040.2); c.1090C>A, p.His364Asn (NM_001292000.2); short protein forms H364N, H455N, H447N.
Identifiers: ClinVar variation 1379370 (VCV001379370.11), dbSNP rs146481873, ClinGen allele CA3523452.

ClinVar aggregate classification (germline): Conflicting classifications of pathogenicity. Review status: criteria provided, conflicting classifications (1 of 4 stars). 3 submissions from 3 submitters: Likely pathogenic (1); Uncertain significance (2). Last evaluated 2024-08-01.

Conditions:
Seizure. Also called: Seizures. Identifiers: MedGen C0036572, HP:0001250.
Hereditary hyperekplexia. Identifiers: Orphanet 3197, MedGen C4084968, MONDO:0021022.
Inborn genetic diseases. Identifiers: MedGen C0950123, MeSH D030342.

Allele frequency attached by ClinVar (database versions not stated): gnomAD exomes below 0.00001; ExAC 0.00001; gnomAD 0.00001; TOPMed 0.00001; ESP Exome Variant Server 0.00008.
gnomAD v4.1: 6 of 1,611,936 alleles (0.00037%); highest among the groups gnomAD compares: Non-Finnish European, 0.00051%; no homozygotes.

Submissions (3):

Ambry Genetics
Classification: Uncertain significance for Inborn genetic diseases. Last evaluated: 2024-08-01. Review status: criteria provided, single submitter. Criteria: Ambry Variant Classification Scheme 2023. Collection method: clinical testing. Allele origin: germline.

Cytogénomique, Hospices Civils de Lyon
Classification: Likely pathogenic for Seizures. Last evaluated: 2024-05-22. Review status: criteria provided, single submitter. Criteria: ACMG Guidelines, 2015. Collection method: clinical testing. Allele origin: unknown. Affected: yes. Observed: 1 variant allele, 1 heterozygote.

Labcorp Genetics (formerly Invitae), Labcorp
Classification: Uncertain significance for Hereditary hyperekplexia. Last evaluated: 2021-04-23. Review status: criteria provided, single submitter. Criteria: Invitae Variant Classification Sherloc (09022015). Collection method: clinical testing. Allele origin: germline.
Comment: In summary, the available evidence is currently insufficient to determine the role of this variant in disease. Therefore, it has been classified as a Variant of Uncertain Significance. Advanced modeling of protein sequence and biophysical properties (such as structural, functional, and spatial information, amino acid conservation, physicochemical variation, residue mobility, and thermodynamic stability) performed at Invitae indicates that this missense variant is not expected to disrupt GLRA1 protein function. This variant has not been reported in the literature in individuals with GLRA1-related conditions. This variant is present in population databases (rs146481873, ExAC 0.002%). This sequence change replaces histidine with asparagine at codon 447 of the GLRA1 protein (p.His447Asn). The histidine residue is moderately conserved and there is a small physicochemical difference between histidine and asparagine.